The following is an entry in ClinVar:

NM_004380.3(CREBBP):c.4039C>T (p.Arg1347Trp)

Gene: CREBBP (CREB binding lysine acetyltransferase; minus strand). Cytogenetic location: 16p13.3.
Variant type: single nucleotide variant.
Coding change: c.4039C>T on transcript NM_004380.3 (MANE Select); coding-DNA position 4039, C replaced by T.
Protein change: p.Arg1347Trp; replaces arginine 1347 with tryptophan.
Molecular consequence: missense variant.
Genome position (GRCh38, 1-based): chr16:3,740,493, G>A on the plus strand (C>T on the coding strand, the complement: CREBBP is on the minus strand). VCF-style: chr16-3740493-G-A. GRCh37 (hg19) VCF-style: chr16-3790494-G-A.
Other names: c.3925C>T, p.Arg1309Trp (NM_001079846.1); short protein forms R1347W, R1309W.
Identifiers: ClinVar variation 3670748 (VCV003670748.2).

ClinVar aggregate classification (germline): Uncertain significance (1 of 4 stars; one submission).

Conditions:
Rubinstein-Taybi syndrome (RSTS). Identifiers: Orphanet 783, MedGen C0035934, MONDO:0019188.

gnomAD v4.1: 2 of 1,614,042 alleles (0.00012%); highest among the groups gnomAD compares: Non-Finnish European, 0.00017%; no homozygotes.

Submission:

Labcorp Genetics (formerly Invitae), Labcorp
Classification: Uncertain significance for Rubinstein-Taybi syndrome. Last evaluated: 2024-02-07. Review status: criteria provided, single submitter. Criteria: Invitae Variant Classification Sherloc (09022015). Collection method: clinical testing. Allele origin: germline.
Comment: This sequence change replaces arginine, which is basic and polar, with tryptophan, which is neutral and slightly polar, at codon 1347 of the CREBBP protein (p.Arg1347Trp). This variant is not present in population databases (gnomAD no frequency). This variant has not been reported in the literature in individuals affected with CREBBP-related conditions. Advanced modeling of protein sequence and biophysical properties (such as structural, functional, and spatial information, amino acid conservation, physicochemical variation, residue mobility, and thermodynamic stability) has been performed at Invitae for this missense variant, however the output from this modeling did not meet the statistical confidence thresholds required to predict the impact of this variant on CREBBP protein function. In summary, the available evidence is currently insufficient to determine the role of this variant in disease. Therefore, it has been classified as a Variant of Uncertain Significance.